The following is an entry in ClinVar:

ClinVar aggregate classification (germline): Uncertain significance. Review status: criteria provided, multiple submitters, no conflicts (2 of 4 stars). 2 submissions from 2 submitters: Uncertain significance (2). Last evaluated 2024-02-13.

Conditions:
Facioscapulohumeral muscular dystrophy 2 (FSHD2). Also called: FACIOSCAPULOHUMERAL MUSCULAR DYSTROPHY 2, DIGENIC; FSHD2, DIGENIC; MUSCULAR DYSTROPHY, FACIOSCAPULOHUMERAL, TYPE 1B. Identifiers: Orphanet 269, MedGen C1834671, MONDO:0008031, OMIM 158901.

Submissions (2):

Revvity Omics, Revvity
Classification: Uncertain significance. Last evaluated: 2024-02-13. Review status: criteria provided, single submitter. Criteria: ACMG Guidelines, 2015. Collection method: clinical testing. Allele origin: germline.

Labcorp Genetics (formerly Invitae), Labcorp
Classification: Uncertain significance for Facioscapulohumeral muscular dystrophy 2. Last evaluated: 2024-01-02. Review status: criteria provided, single submitter. Criteria: Invitae Variant Classification Sherloc (09022015). Collection method: clinical testing. Allele origin: germline.
Comment: This variant, c.5726_5728del, results in the deletion of 1 amino acid(s) of the SMCHD1 protein (p.Leu1909del), but otherwise preserves the integrity of the reading frame. This variant is not present in population databases (gnomAD no frequency). This variant has not been reported in the literature in individuals affected with SMCHD1-related conditions. Experimental studies and prediction algorithms are not available or were not evaluated, and the functional significance of this variant is currently unknown. In summary, the available evidence is currently insufficient to determine the role of this variant in disease. Therefore, it has been classified as a Variant of Uncertain Significance.

NM_015295.3(SMCHD1):c.5723TTC[1] (p.Leu1909del)

Gene: SMCHD1 (structural maintenance of chromosomes flexible hinge domain containing 1; plus strand). Cytogenetic location: 18p11.32.
Variant type: Microsatellite.
Coding change: c.5723TTC[1] on transcript NM_015295.3 (MANE Select); one copy of the 3-base unit TTC starting at c.5723; the reference has two copies in a row; one copy, 3 bases deleted; also written c.5726_5728del.
Protein change: p.Leu1909del; deletes leucine 1909.
Molecular consequence: inframe deletion.
Genome position (GRCh38, 1-based): chr18:2,795,955-2,795,957, TTC deleted; deleting any 3 consecutive bases within chr18:2,795,950-2,795,957 gives the same sequence; the position shown is the placement nearest the transcript's 3' end. VCF-style (leftmost placement, unchanged base first): chr18-2795949-ATCT-A. GRCh37 (hg19) VCF-style: chr18-2795947-ATCT-A.
Other names: c.5726_5728del (NM_015295.2); short protein forms L1909del.
Identifiers: ClinVar variation 2804162 (VCV002804162.4), dbSNP rs2510180482, ClinGen allele CA2739268538.
Genomic context (GRCh38, chr18:2,795,949, plus strand): 5'-TAAAACATGAGTTTGGTTTAATAGCAGTAATTTAATCAAATGCATTTGGTTTCTTTACAG[ATCT>A]TCTTCAGCAGTATCGTTCTGCTGTGTGCAAACTAGACAGTGTGAATAAGGATCTTAACAG-3'